The following is an entry in ClinVar:

ClinVar aggregate classification (germline): Uncertain significance (1 of 4 stars; one submission).

Conditions:
Malignant hyperthermia, susceptibility to, 5 (MHS5). Also called: CACNA1S-Related Malignant Hyperthermia Susceptibility. Identifiers: Orphanet 423, MedGen C1866077, MONDO:0011163, OMIM 601887.
Hypokalemic periodic paralysis, type 1. Also called: Hypokalemic Periodic Paralysis Type 1 (AD); HypoPP. Identifiers: Orphanet 681, MedGen C3714580, MONDO:0042979, OMIM 170400.

Allele frequency attached by ClinVar (database versions not stated): ExAC 0.00001; gnomAD exomes 0.00001; TOPMed 0.00001.
gnomAD v4.1: 8 of 1,613,556 alleles (0.0005%); highest among the groups gnomAD compares: East Asian, 0.0022%; no homozygotes.

Submission:

Labcorp Genetics (formerly Invitae), Labcorp
Classification: Uncertain significance for Hypokalemic periodic paralysis, type 1; Malignant hyperthermia, susceptibility to, 5. Last evaluated: 2022-09-15. Review status: criteria provided, single submitter. Criteria: Invitae Variant Classification Sherloc (09022015). Collection method: clinical testing. Allele origin: germline.
Comment: This sequence change replaces arginine, which is basic and polar, with glutamine, which is neutral and polar, at codon 1442 of the CACNA1S protein (p.Arg1442Gln). This variant is present in population databases (rs753409023, gnomAD 0.006%). This variant has not been reported in the literature in individuals affected with CACNA1S-related conditions. Advanced modeling of protein sequence and biophysical properties (such as structural, functional, and spatial information, amino acid conservation, physicochemical variation, residue mobility, and thermodynamic stability) has been performed at Invitae for this missense variant, however the output from this modeling did not meet the statistical confidence thresholds required to predict the impact of this variant on CACNA1S protein function. Algorithms developed to predict the effect of sequence changes on RNA splicing suggest that this variant may create or strengthen a splice site. In summary, the available evidence is currently insufficient to determine the role of this variant in disease. Therefore, it has been classified as a Variant of Uncertain Significance.

NM_000069.3(CACNA1S):c.4325G>A (p.Arg1442Gln)

Gene: CACNA1S (calcium voltage-gated channel subunit alpha1 S; minus strand). Cytogenetic location: 1q32.1.
Variant type: single nucleotide variant.
Coding change: c.4325G>A on transcript NM_000069.3 (MANE Select); coding-DNA position 4325, G replaced by A.
Protein change: p.Arg1442Gln; replaces arginine 1442 with glutamine.
Molecular consequence: missense variant.
Genome position (GRCh38, 1-based): chr1:201,049,016, C>T on the plus strand (G>A on the coding strand, the complement: CACNA1S is on the minus strand). VCF-style: chr1-201049016-C-T. GRCh37 (hg19) VCF-style: chr1-201018144-C-T.
Other names: short protein forms R1442Q.
Identifiers: ClinVar variation 2173417 (VCV002173417.1), dbSNP rs753409023, ClinGen allele CA083224.
Genomic context (GRCh38, chr1:201,049,016, plus strand): 5'-GACTCTTCCCCTCCCTGGGGCCACCCATCCCTGGCAGCTCTGGTTACCTTACAAGCTACC[C>T]GATGTGGGCAGAACTTCCCAAAGCCCAGAGGGGGCTGAATCCTTCTCAGCAGGGTCACCA-3'
Protein context (NP_000060.2, residues 1432-1452): PLGFGKFCPH[Arg1442Gln]VACKRLVGMN